The following is an entry in ClinVar:

ClinVar aggregate classification (germline): Conflicting classifications of pathogenicity. Review status: criteria provided, conflicting classifications (1 of 4 stars). 2 submissions from 2 submitters: Uncertain significance (1); Likely benign (1). Last evaluated 2024-10-28.

Conditions:
Developmental and epileptic encephalopathy, 9 (DEE9). Also called: Early infantile epileptic encephalopathy 9; EPILEPSY, FEMALE-RESTRICTED, WITH MENTAL RETARDATION; JUBERG-HELLMAN SYNDROME; PCDH19-Related X-Linked Female-Limited Epilepsy with Mental Retardation. Identifiers: Orphanet 101039, Orphanet 2076, MedGen C1848137, MONDO:0010246, OMIM 300088. Disease mechanism: loss of function.

Allele frequency attached by ClinVar (database versions not stated): TOPMed below 0.00001; gnomAD 0.00001.
gnomAD v4.1: 6 of 1,209,185 alleles (0.0005%); highest among the groups gnomAD compares: Non-Finnish European, 0.00067%; no homozygotes.

Submissions (2):

Labcorp Genetics (formerly Invitae), Labcorp
Classification: Uncertain significance for Developmental and epileptic encephalopathy, 9. Last evaluated: 2024-10-28. Review status: criteria provided, single submitter. Criteria: Invitae Variant Classification Sherloc (09022015). Collection method: clinical testing. Allele origin: germline.
Comment: This sequence change replaces arginine, which is basic and polar, with glutamine, which is neutral and polar, at codon 1053 of the PCDH19 protein (p.Arg1053Gln). This variant is present in population databases (no rsID available, gnomAD 0.01%). This missense change has been observed in individual(s) with lateral temporal lobe epilepsy (PMID: 27029629). ClinVar contains an entry for this variant (Variation ID: 1524888). Invitae Evidence Modeling of protein sequence and biophysical properties (such as structural, functional, and spatial information, amino acid conservation, physicochemical variation, residue mobility, and thermodynamic stability) indicates that this missense variant is not expected to disrupt PCDH19 protein function with a negative predictive value of 95%. In summary, the available evidence is currently insufficient to determine the role of this variant in disease. Therefore, it has been classified as a Variant of Uncertain Significance.

CeGaT Center for Human Genetics Tuebingen
Classification: Likely benign. Last evaluated: 2024-01-01. Review status: criteria provided, single submitter. Criteria: CeGaT Center For Human Genetics Tuebingen Variant Classification Criteria Version 2. Collection method: clinical testing. Allele origin: germline. Affected: yes. Observed: 1 variant allele.
Comment: PCDH19: BP4

Literature cited by the submitters: PubMed 27029629 (cited by Labcorp Genetics (formerly Invitae), Labcorp).

NM_001184880.2(PCDH19):c.3158G>A (p.Arg1053Gln)

Gene: PCDH19 (protocadherin 19; minus strand). Cytogenetic location: Xq22.1.
Variant type: single nucleotide variant.
Coding change: c.3158G>A on transcript NM_001184880.2 (MANE Select); coding-DNA position 3158, G replaced by A.
Protein change: p.Arg1053Gln; replaces arginine 1053 with glutamine.
Molecular consequence: missense variant.
Genome position (GRCh38, 1-based): chrX:100,296,566, C>T on the plus strand (G>A on the coding strand, the complement: PCDH19 is on the minus strand). VCF-style: chrX-100296566-C-T. GRCh37 (hg19) VCF-style: chrX-99551564-C-T.
Other names: c.3017G>A, p.Arg1006Gln (NM_001105243.2); c.3014G>A, p.Arg1005Gln (NM_020766.3); short protein forms R1053Q, R1005Q, R1006Q.
Identifiers: ClinVar variation 1524888 (VCV001524888.30), dbSNP rs1241637351, ClinGen allele CA414000253.